The following is an entry in ClinVar:

NM_000548.5(TSC2):c.1399dup (p.Asp467fs)

Gene: TSC2 (TSC complex subunit 2; plus strand). Cytogenetic location: 16p13.3.
Variant type: Duplication.
Coding change: c.1399dup on transcript NM_000548.5 (MANE Select); coding-DNA position 1399, one base duplicated (G; older notation c.1399dupG).
Protein change: p.Asp467fs; shifts the reading frame from aspartic acid 467.
Molecular consequence: frameshift variant. On other transcripts: non-coding transcript variant (5), intron variant (1).
Genome position (GRCh38, 1-based): chr16:2,063,009, G duplicated; the last of 2 consecutive G bases (chr16:2,063,008-2,063,009); duplicating either gives the same sequence. VCF-style (leftmost placement, unchanged base first): chr16-2063007-T-TG. GRCh37 (hg19) VCF-style: chr16-2113008-T-TG.
Other names: c.1399dup, p.Asp467fs (NM_001077183.3, NM_001114382.3, NM_001363528.2 and 6 more transcripts); c.1288dup, p.Asp430fs (NM_001318827.2, NM_001406670.1, NM_001406678.1); c.1252dup, p.Asp418fs (NM_001318829.2, NM_001406675.1, NM_001406676.1 and 1 more transcripts); c.799dup, p.Asp267fs (NM_001318831.2, NM_001406680.1, NM_001406682.1 and 6 more transcripts); c.1432dup, p.Asp478fs (NM_001318832.2); c.1489dup, p.Asp497fs (NM_001406667.1, NM_001406668.1); c.1387dup, p.Asp463fs (NM_001406671.1, NM_001406673.1); c.1342dup, p.Asp448fs (NM_001406677.1); and 3 more; short protein forms D19fs, D448fs, D313fs, D430fs, D467fs, D418fs, D463fs, D497fs.
Identifiers: ClinVar variation 2757653 (VCV002757653.3), dbSNP rs2548553628, ClinGen allele CA2697549633.

ClinVar aggregate classification (germline): Pathogenic (1 of 4 stars; one submission).

Conditions:
Tuberous sclerosis 2 (TSC2). Identifiers: Orphanet 805, MedGen C1860707, MONDO:0013199, OMIM 613254.

Submission:

Labcorp Genetics (formerly Invitae), Labcorp
Classification: Pathogenic for Tuberous sclerosis 2. Last evaluated: 2023-09-03. Review status: criteria provided, single submitter. Criteria: Invitae Variant Classification Sherloc (09022015). Collection method: clinical testing. Allele origin: germline.
Comment: This sequence change creates a premature translational stop signal (p.Asp467Glyfs*15) in the TSC2 gene. It is expected to result in an absent or disrupted protein product. Loss-of-function variants in TSC2 are known to be pathogenic (PMID: 10205261, 17304050). This variant is not present in population databases (gnomAD no frequency). This variant has not been reported in the literature in individuals affected with TSC2-related conditions. Algorithms developed to predict the effect of sequence changes on RNA splicing suggest that this variant may disrupt the consensus splice site. For these reasons, this variant has been classified as Pathogenic.

Literature cited by the submitters: PubMed 10205261; PubMed 17304050.